The following is an entry in ClinVar:

ClinVar aggregate classification (germline): Likely benign (1 of 4 stars; one submission).

Conditions:
TUBA4A-related disorder. Also called: TUBA4A-related condition.

Submission:

PreventionGenetics, part of Exact Sciences
Classification: Likely benign for TUBA4A-related condition. Last evaluated: 2025-02-13. Review status: criteria provided, single submitter. Criteria: ACMG Guidelines, 2015. Collection method: clinical testing. Allele origin: germline.
Comment: This variant is classified as likely benign based on ACMG/AMP sequence variant interpretation guidelines (Richards et al. 2015 PMID: 25741868, with internal and published modifications).

NM_006000.3(TUBA4A):c.921C>G (p.Pro307=)

Gene: TUBA4A (tubulin alpha 4a; minus strand). Cytogenetic location: 2q35.
Variant type: single nucleotide variant.
Coding change: c.921C>G on transcript NM_006000.3 (MANE Select); coding-DNA position 921, C replaced by G.
Protein change: p.Pro307=; no amino-acid change (proline 307 retained).
Molecular consequence: synonymous variant.
Genome position (GRCh38, 1-based): chr2:219,250,778, G>C on the plus strand (C>G on the coding strand, the complement: TUBA4A is on the minus strand). VCF-style: chr2-219250778-G-C. GRCh37 (hg19) VCF-style: chr2-220115500-G-C.
Other names: c.876C>G, p.Pro292= (NM_001278552.2).
Identifiers: ClinVar variation 4989228 (VCV004989228.1).